The following is an entry in ClinVar:

ClinVar aggregate classification (germline): Uncertain significance (1 of 4 stars; one submission).

Allele frequency attached by ClinVar (database versions not stated): gnomAD 0.00001; gnomAD exomes 0.00002; TOPMed 0.00002.
gnomAD v4.1: 32 of 1,536,820 alleles (0.0021%); highest among the groups gnomAD compares: East Asian, 0.0049%; no homozygotes.

Submission:

GeneDx
Classification: Uncertain significance. Last evaluated: 2023-02-13. Review status: criteria provided, single submitter. Criteria: GeneDx Variant Classification Process June 2021. Collection method: clinical testing. Allele origin: germline. Affected: yes.
Comment: In silico analysis supports that this variant does not alter splicing; Has not been previously published as pathogenic or benign to our knowledge

NM_001271938.2(MEGF8):c.2230G>A (p.Val744Met)

Gene: MEGF8 (multiple EGF like domains 8; plus strand). Cytogenetic location: 19q13.2.
Variant type: single nucleotide variant.
Coding change: c.2230G>A on transcript NM_001271938.2 (MANE Select); coding-DNA position 2230, G replaced by A.
Protein change: p.Val744Met; replaces valine 744 with methionine.
Molecular consequence: missense variant. On other transcripts: intron variant (1).
Genome position (GRCh38, 1-based): chr19:42,348,404, G>A. VCF-style: chr19-42348404-G-A. GRCh37 (hg19) VCF-style: chr19-42852556-G-A.
Other names: c.2098-1095G>A (NM_001410.3); short protein forms V744M.
Identifiers: ClinVar variation 2575670 (VCV002575670.1), dbSNP rs1015184528, ClinGen allele CA308631367.